The following is an entry in ClinVar:

ClinVar aggregate classification (germline): Likely benign (0 of 4 stars; one submission).

Conditions:
FOXH1-related disorder. Also called: FOXH1-related condition.

Submission:

PreventionGenetics, part of Exact Sciences
Classification: Likely benign for FOXH1-related condition. Last evaluated: 2023-10-25. Review status: no assertion criteria provided. Collection method: clinical testing. Allele origin: germline.
Comment: This variant is classified as likely benign based on ACMG/AMP sequence variant interpretation guidelines (Richards et al. 2015 PMID: 25741868, with internal and published modifications).

NM_003923.3(FOXH1):c.456G>A (p.Arg152=)

Gene: FOXH1 (forkhead box H1; minus strand). Cytogenetic location: 8q24.3.
Variant type: single nucleotide variant.
Coding change: c.456G>A on transcript NM_003923.3 (MANE Select); coding-DNA position 456, G replaced by A.
Protein change: p.Arg152=; no amino-acid change (arginine 152 retained).
Molecular consequence: synonymous variant.
Genome position (GRCh38, 1-based): chr8:144,474,880, C>T on the plus strand (G>A on the coding strand, the complement: FOXH1 is on the minus strand). VCF-style: chr8-144474880-C-T. GRCh37 (hg19) VCF-style: chr8-145700263-C-T.
Identifiers: ClinVar variation 3050097 (VCV003050097.2), dbSNP rs1303161222, ClinGen allele CA463560607.